The following is an entry in ClinVar:

NM_172107.4(KCNQ2):c.1622G>A (p.Arg541Lys)

Gene: KCNQ2 (potassium voltage-gated channel subfamily Q member 2; minus strand). Cytogenetic location: 20q13.33.
Variant type: single nucleotide variant.
Coding change: c.1622G>A on transcript NM_172107.4 (MANE Select); coding-DNA position 1622, G replaced by A.
Protein change: p.Arg541Lys; replaces arginine 541 with lysine.
Molecular consequence: missense variant.
Genome position (GRCh38, 1-based): chr20:63,414,097, C>T on the plus strand (G>A on the coding strand, the complement: KCNQ2 is on the minus strand). VCF-style: chr20-63414097-C-T. GRCh37 (hg19) VCF-style: chr20-62045450-C-T.
Other names: c.1568G>A, p.Arg523Lys (NM_001382235.1, NM_172106.3); c.1538G>A, p.Arg513Lys (NM_004518.6); c.1529G>A, p.Arg510Lys (NM_172108.5); c.1622G>A (NM_172107.3); short protein forms R510K, R513K, R523K, R541K.
Identifiers: ClinVar variation 2433027 (VCV002433027.5), dbSNP rs1555853970, ClinGen allele CA409645150.

ClinVar aggregate classification (germline): Uncertain significance. Review status: criteria provided, multiple submitters, no conflicts (2 of 4 stars). 2 submissions from 2 submitters: Uncertain significance (2). Last evaluated 2025-11-07.

Conditions:
KCNQ2-Related Disorders. Also called: KCNQ2-related disorder; KCNQ2-related condition. Identifiers: MedGen CN169299.

Submissions (2):

PreventionGenetics, part of Exact Sciences
Classification: Uncertain significance for KCNQ2-related condition. Last evaluated: 2025-11-07. Review status: criteria provided, single submitter. Criteria: ACMG Guidelines, 2015. Collection method: clinical testing. Allele origin: germline.
Comment: The KCNQ2 c.1622G>A variant is predicted to result in the amino acid substitution p.Arg541Lys. To our knowledge, this variant has not been reported in the literature or in a large population database (gnomAD), indicating this variant is rare. An alternate nucleotide change affecting the same amino acid (p.Arg541Gly) has been reported in an individual with early onset epileptic encephalopathy (Figure 1, Abidi et al. 2015. PubMed ID: 26007637). At this time, the clinical significance of the c.1622G>A (p.Arg541Lys) variant is uncertain due to the absence of conclusive functional and genetic evidence.

Revvity Omics, Revvity
Classification: Uncertain significance. Last evaluated: 2022-06-03. Review status: criteria provided, single submitter. Criteria: ACMG Guidelines, 2015. Collection method: clinical testing. Allele origin: germline.